The following is an entry in ClinVar:

NM_005609.4(PYGM):c.501dup (p.Asn168Ter)

Gene: PYGM (glycogen phosphorylase, muscle associated; minus strand). Cytogenetic location: 11q13.1.
Variant type: Duplication.
Coding change: c.501dup on transcript NM_005609.4 (MANE Select); coding-DNA position 501, one base duplicated (T; older notation c.501dupT).
Protein change: p.Asn168Ter; replaces asparagine 168 with a stop codon.
Molecular consequence: nonsense. On other transcripts: intron variant (1).
Genome position (GRCh38, 1-based): chr11:64,758,273, A duplicated on the plus strand (T on the coding strand, the reverse complement: PYGM is on the minus strand); the first of 5 consecutive A bases (chr11:64,758,273-64,758,277); duplicating any one gives the same sequence. VCF-style (leftmost placement, unchanged base first): chr11-64758272-T-TA. GRCh37 (hg19) VCF-style: chr11-64525744-T-TA.
Other names: c.244-11dup (NM_001164716.1); c.501dupT (NM_005609.4); short protein forms N168*.
Identifiers: ClinVar variation 496892 (VCV000496892.12), dbSNP rs1555136390, ClinGen allele CA474959930.

ClinVar aggregate classification (germline): Pathogenic/Likely pathogenic. Review status: criteria provided, multiple submitters, no conflicts (2 of 4 stars). 6 submissions from 6 submitters: Pathogenic (5); Likely pathogenic (1). Last evaluated 2026-04-17.

Conditions:
Glycogen storage disease, type V (GSD5). Also called: MCARDLE DISEASE; MUSCLE GLYCOGEN PHOSPHORYLASE DEFICIENCY; MYOPHOSPHORYLASE DEFICIENCY; PYGM DEFICIENCY; McArdle type glycogen storage disease. Identifiers: Orphanet 368, MedGen C0017924, MONDO:0009293, OMIM 232600.

Submissions (6):

Dasa
Classification: Pathogenic. Last evaluated: 2026-04-17. Review status: criteria provided, single submitter. Criteria: DASA Assertion Criteria. Collection method: clinical testing. Allele origin: germline.
Comment: NM_005609.4(PYGM):c.501dup (p.Asn168*) introduces a premature termination codon predicted to result in loss of normal protein function. Loss-of-function is an established mechanism of disease for this gene. This variant has been observed in affected individuals with related phenotype in a genotype context consistent with recessive disease (PMID: 33153458; PMID: 30415384). This variant has been recurrently observed in individuals with related phenotype (PMID: 33153458; PMID: 30415384). The variant is present at low frequency in population datasets. Based on the available data, this variant is classified as pathogenic.

OLLIN Analises Genomicas, OLLIN
Classification: Pathogenic for Glycogen storage disease, type V. Last evaluated: 2025-03-12. Review status: criteria provided, single submitter. Criteria: ACMG Guidelines 2015 PMID 25741868. Collection method: clinical testing. Allele origin: germline. Affected: yes. Observed: 1 variant allele.
Comment: The frameshift variant (chr11:64758272T>TA), located in exon 4 (of 20), absent in gnomAD v4.1 non-UKB, is reported in ClinVar (VCV000496892.10) and in the scientific literature, in homozygosity, in an individual with McArdle's disease (PMID: 33153458). This variant promotes a frameshift with subsequent introduction of a premature stop codon in the next codon, resulting in a truncated protein or mRNA degradation via nonsense-mediated decay (NMD). According to currently available evidence, this variant has been classified as pathogenic (PVS1, PM2_P, PM3).

Women's Health and Genetics/Laboratory Corporation of America, LabCorp
Classification: Pathogenic for Glycogen storage disease, type V. Last evaluated: 2024-11-04. Review status: criteria provided, single submitter. Criteria: LabCorp Variant Classification Summary - May 2015. Collection method: clinical testing. Allele origin: germline.
Comment: Variant summary: PYGM c.501dupT (p.Asn168X) results in a premature termination codon, predicted to cause a truncation of the encoded protein or absence of the protein due to nonsense mediated decay, which are commonly known mechanisms for disease. The variant was absent in 251470 control chromosomes (gnomAD). c.501dupT has been reported in the literature in at least an individual affected with McArdle disease (example: Chocair_2020). These data indicate that the variant is likely to be associated with disease. To our knowledge, no experimental evidence demonstrating an impact on protein function has been reported. The following publication has been ascertained in the context of this evaluation (PMID: 33153458). ClinVar contains an entry for this variant (Variation ID: 496892). Based on the evidence outlined above, the variant was classified as pathogenic.

Baylor Genetics
Classification: Likely pathogenic for Glycogen storage disease, type V. Last evaluated: 2023-08-28. Review status: criteria provided, single submitter. Criteria: ACMG Guidelines, 2015. Collection method: clinical testing. Allele origin: unknown.

Labcorp Genetics (formerly Invitae), Labcorp
Classification: Pathogenic for Glycogen storage disease, type V. Last evaluated: 2023-06-10. Review status: criteria provided, single submitter. Criteria: Invitae Variant Classification Sherloc (09022015). Collection method: clinical testing. Allele origin: germline.
Comment: For these reasons, this variant has been classified as Pathogenic. ClinVar contains an entry for this variant (Variation ID: 496892). This variant has not been reported in the literature in individuals affected with PYGM-related conditions. This variant is not present in population databases (gnomAD no frequency). This sequence change creates a premature translational stop signal (p.Asn168*) in the PYGM gene. It is expected to result in an absent or disrupted protein product. Loss-of-function variants in PYGM are known to be pathogenic (PMID: 8316268, 16786513).

Eurofins Ntd Llc (ga)
Classification: Pathogenic. Last evaluated: 2017-03-02. Review status: criteria provided, single submitter. Criteria: EGL Classification Definitions 2015. Collection method: clinical testing. Allele origin: germline. Observed: 1 variant allele, 1 heterozygote.

Literature cited by the submitters: PubMed 33153458 (cited by 3 submitters); PubMed 30415384 (cited by Dasa); PubMed 8316268 (cited by Labcorp Genetics (formerly Invitae), Labcorp); PubMed 16786513 (cited by Labcorp Genetics (formerly Invitae), Labcorp).